The following is an entry in ClinVar:

NM_001195.5(BFSP1):c.1042+5C>T

Gene: BFSP1 (beaded filament structural protein 1; minus strand). Cytogenetic location: 20p12.1.
Variant type: single nucleotide variant.
Coding change: c.1042+5C>T on transcript NM_001195.5 (MANE Select); 5 bases into the intron after coding-DNA position 1042, C replaced by T.
Molecular consequence: intron variant.
Genome position (GRCh38, 1-based): chr20:17,496,933, G>A on the plus strand (C>T on the coding strand, the complement: BFSP1 is on the minus strand). VCF-style: chr20-17496933-G-A. GRCh37 (hg19) VCF-style: chr20-17477578-G-A.
Other names: c.625+5C>T (NM_001278608.2, NM_001278606.2); c.709+5C>T (NM_001278607.2); c.667+5C>T (NM_001161705.2); c.934+5C>T (NM_001424338.1).
Identifiers: ClinVar variation 3045773 (VCV003045773.2), dbSNP rs534991481, ClinGen allele CA9772140.

ClinVar aggregate classification (germline): Likely benign (0 of 4 stars; one submission).

Conditions:
BFSP1-related disorder. Also called: BFSP1-related condition.

Allele frequency attached by ClinVar (database versions not stated): TOPMed 0.00008; gnomAD 0.00014; gnomAD exomes 0.00019; ExAC 0.00092; 1000 Genomes Project 30x 0.00125; 1000 Genomes Project 0.00160.
gnomAD v4.1: 280 of 1,530,712 alleles (0.018%); highest among the groups gnomAD compares: South Asian, 0.26%; 1 homozygote.

Submission:

PreventionGenetics, part of Exact Sciences
Classification: Likely benign for BFSP1-related condition. Last evaluated: 2019-11-16. Review status: no assertion criteria provided. Collection method: clinical testing. Allele origin: germline.
Comment: This variant is classified as likely benign based on ACMG/AMP sequence variant interpretation guidelines (Richards et al. 2015 PMID: 25741868, with internal and published modifications).